The following is an entry in ClinVar:

ClinVar aggregate classification (germline): Uncertain significance. Review status: criteria provided, single submitter (1 of 4 stars). 2 submissions from 2 submitters: Uncertain significance (1). 1 of the submissions does not count toward it. Last evaluated 2021-09-02.

Conditions:
Hemochromatosis type 2A (HFE2A). Also called: Adult-Onset Hemochromatosis; HJV (HFE2)-Related Juvenile Hemochromatosis. Identifiers: Orphanet 79230, MedGen C1865614, MONDO:0011216, OMIM 602390.

Allele frequency attached by ClinVar (database versions not stated): ExAC 0.00001; gnomAD exomes 0.00001 and 0.00002; TOPMed 0.00001; gnomAD 0.00002 and 0.00003.
gnomAD v4.1: 25 of 1,613,060 alleles (0.0015%); highest among the groups gnomAD compares: South Asian, 0.0066%; no homozygotes.

Submissions (2):

Labcorp Genetics (formerly Invitae), Labcorp
Classification: Uncertain significance. Last evaluated: 2021-09-02. Review status: criteria provided, single submitter. Criteria: Invitae Variant Classification Sherloc (09022015). Collection method: clinical testing. Allele origin: germline.
Comment: This sequence change replaces alanine with valine at codon 102 of the HJV protein (p.Ala102Val). The alanine residue is highly conserved and there is a small physicochemical difference between alanine and valine. This variant is present in population databases (rs782681137, ExAC 0.002%). This variant has not been reported in the literature in individuals affected with HJV-related conditions. Algorithms developed to predict the effect of missense changes on protein structure and function (SIFT, PolyPhen-2, Align-GVGD) all suggest that this variant is likely to be tolerated. In summary, the available evidence is currently insufficient to determine the role of this variant in disease. Therefore, it has been classified as a Variant of Uncertain Significance.

Natera, Inc.
Classification: Uncertain significance for Hemochromatosis type 2A. Last evaluated: 2020-07-17. Review status: no assertion criteria provided. Collection method: clinical testing. Allele origin: germline. Not counted in ClinVar's aggregate classification.

NM_213653.4(HJV):c.305C>T (p.Ala102Val)

Gene: HJV (hemojuvelin BMP co-receptor; minus strand). Cytogenetic location: 1q21.1.
Variant type: single nucleotide variant.
Coding change: c.305C>T on transcript NM_213653.4 (MANE Select); coding-DNA position 305, C replaced by T.
Protein change: p.Ala102Val; replaces alanine 102 with valine.
Molecular consequence: missense variant. On other transcripts: 5 prime UTR variant (1), intron variant (3).
Genome position (GRCh38, 1-based): chr1:146,019,527, G>A on the plus strand (C>T on the coding strand, the complement: HJV is on the minus strand). VCF-style: chr1-146019527-G-A. GRCh37 (hg19) VCF-style: chr1-145415486-C-T.
Other names: c.305C>T, p.Ala102Val (NM_001379352.1); c.-35C>T (NM_145277.5); c.-21-827C>T (NM_213652.4); c.-22+171C>T (NM_202004.4, NM_001316767.2); short protein forms A102V.
Identifiers: ClinVar variation 468532 (VCV000468532.6), dbSNP rs782681137, ClinGen allele CA1053786.